The following is an entry in ClinVar:

ClinVar aggregate classification (germline): Uncertain significance (1 of 4 stars; one submission).

Conditions:
Ataxia-telangiectasia syndrome (AT). Also called: Ataxia-telangiectasia, complementation group D; AT, COMPLEMENTATION GROUP C; Ataxia-telangiectasia; Ataxia telangiectasia (A-T); Ataxia-telangiectasia, complementation group E; Cerebello-oculocutaneous telangiectasia. Identifiers: Orphanet 100, MedGen C0004135, MONDO:0008840, OMIM 208900.

Submission:

Labcorp Genetics (formerly Invitae), Labcorp
Classification: Uncertain significance for Ataxia-telangiectasia syndrome. Last evaluated: 2021-10-01. Review status: criteria provided, single submitter. Criteria: Invitae Variant Classification Sherloc (09022015). Collection method: clinical testing. Allele origin: germline.
Comment: In summary, the available evidence is currently insufficient to determine the role of this variant in disease. Therefore, it has been classified as a Variant of Uncertain Significance. Algorithms developed to predict the effect of missense changes on protein structure and function are either unavailable or do not agree on the potential impact of this missense change (SIFT: "Tolerated"; PolyPhen-2: "Possibly Damaging"; Align-GVGD: "Class C0"). This variant has not been reported in the literature in individuals with ATM-related conditions. This variant is not present in population databases (ExAC no frequency). This sequence change replaces lysine with glutamine at codon 687 of the ATM protein (p.Lys687Gln). The lysine residue is weakly conserved and there is a small physicochemical difference between lysine and glutamine.

NM_000051.4(ATM):c.2059A>C (p.Lys687Gln)

Gene: ATM (ATM serine/threonine kinase; plus strand). Cytogenetic location: 11q22.3.
Variant type: single nucleotide variant.
Coding change: c.2059A>C on transcript NM_000051.4 (MANE Select); coding-DNA position 2059, A replaced by C.
Protein change: p.Lys687Gln; replaces lysine 687 with glutamine.
Molecular consequence: missense variant.
Genome position (GRCh38, 1-based): chr11:108,253,974, A>C. VCF-style: chr11-108253974-A-C. GRCh37 (hg19) VCF-style: chr11-108124701-A-C.
Other names: c.2059A>C, p.Lys687Gln (NM_001351834.2); short protein forms K687Q.
Identifiers: ClinVar variation 1405882 (VCV001405882.8), dbSNP rs2135370162, ClinGen allele CA382537477.